The following is an entry in ClinVar:

NM_173689.7(CRB2):c.1236C>G (p.Ile412Met)

Gene: CRB2 (crumbs cell polarity complex component 2; plus strand). Cytogenetic location: 9q33.3.
Variant type: single nucleotide variant.
Coding change: c.1236C>G on transcript NM_173689.7 (MANE Select); coding-DNA position 1236, C replaced by G.
Protein change: p.Ile412Met; replaces isoleucine 412 with methionine.
Molecular consequence: missense variant. On other transcripts: non-coding transcript variant (1).
Genome position (GRCh38, 1-based): chr9:123,370,289, C>G. VCF-style: chr9-123370289-C-G. GRCh37 (hg19) VCF-style: chr9-126132568-C-G.
Other names: c.1236C>G (NM_173689.6); short protein forms I412M.
Identifiers: ClinVar variation 4616540 (VCV004616540.2).

ClinVar aggregate classification (germline): Uncertain significance. Review status: criteria provided, multiple submitters, no conflicts (2 of 4 stars). 2 submissions from 2 submitters: Uncertain significance (2). Last evaluated 2025-12-10.

Conditions:
Inborn genetic diseases. Identifiers: MedGen C0950123, MeSH D030342.
CRB2-related disorder. Also called: CRB2-related disorders; CRB2-related condition.

Submissions (2):

Ambry Genetics
Classification: Uncertain significance for Inborn genetic diseases. Last evaluated: 2025-12-10. Review status: criteria provided, single submitter. Criteria: Ambry Variant Classification Scheme 2023. Collection method: clinical testing. Allele origin: germline.

PreventionGenetics, part of Exact Sciences
Classification: Uncertain significance for CRB2-related condition. Last evaluated: 2025-05-09. Review status: criteria provided, single submitter. Criteria: ACMG Guidelines, 2015. Collection method: clinical testing. Allele origin: germline.
Comment: The CRB2 c.1236C>G variant is predicted to result in the amino acid substitution p.Ile412Met. To our knowledge, this variant has not been reported in the literature or in a large population database (gnomAD), indicating this variant is rare. At this time, the clinical significance of this variant is uncertain due to the absence of conclusive functional and genetic evidence.